The following is an entry in ClinVar:

ClinVar aggregate classification (germline): Uncertain significance (1 of 4 stars; one submission).

Conditions:
Charcot-Marie-Tooth disease axonal type 2O. Also called: CHARCOT-MARIE-TOOTH NEUROPATHY, AXONAL, TYPE 2O; CHARCOT-MARIE-TOOTH DISEASE, AXONAL, AUTOSOMAL DOMINANT, TYPE 2O; Charcot-Marie-Tooth Neuropathy Type 2O; Charcot-Marie-Tooth disease, axonal, type 20. Identifiers: Orphanet 284232, MedGen C3280220, MONDO:0013644, OMIM 614228.

Submission:

Labcorp Genetics (formerly Invitae), Labcorp
Classification: Uncertain significance for Charcot-Marie-Tooth disease axonal type 2O. Last evaluated: 2022-10-13. Review status: criteria provided, single submitter. Criteria: Invitae Variant Classification Sherloc (09022015). Collection method: clinical testing. Allele origin: germline.
Comment: This sequence change creates a premature translational stop signal (p.Gln3038Argfs*4) in the DYNC1H1 gene. It is expected to result in an absent or disrupted protein product. However, the current clinical and genetic evidence is not sufficient to establish whether loss-of-function variants in DYNC1H1 cause disease. This variant is not present in population databases (gnomAD no frequency). In summary, the available evidence is currently insufficient to determine the role of this variant in disease. Therefore, it has been classified as a Variant of Uncertain Significance. ClinVar contains an entry for this variant (Variation ID: 1525128). This variant has not been reported in the literature in individuals affected with DYNC1H1-related conditions.

NM_001376.5(DYNC1H1):c.9113_9116del (p.Gln3038fs)

Genes: DYNC1H1 (dynein cytoplasmic 1 heavy chain 1; plus strand), LOC126862060 (BRD4-independent group 4 enhancer GRCh37_chr14:102493659-102494858; plus strand). Cytogenetic location: 14q32.31.
Variant type: Deletion.
Coding change: c.9113_9116del on transcript NM_001376.5 (MANE Select); coding-DNA positions 9113 to 9116, 4 bases deleted (AGAA; older notation c.9113_9116delAGAA).
Protein change: p.Gln3038fs; shifts the reading frame from glutamine 3038.
Molecular consequence: frameshift variant.
Genome position (GRCh38, 1-based): chr14:102,027,683-102,027,686, AGAA deleted. VCF-style (leftmost placement, unchanged base first): chr14-102027682-CAGAA-C. GRCh37 (hg19) VCF-style: chr14-102494019-CAGAA-C.
Other names: short protein forms Q3038fs.
Identifiers: ClinVar variation 1525128 (VCV001525128.6), dbSNP rs2152589159, ClinGen allele CA2573150386.